The following is an entry in ClinVar:

NM_173648.4(CCDC141):c.4497A>G (p.Thr1499=)

Gene: CCDC141 (coiled-coil domain containing 141; minus strand). Cytogenetic location: 2q31.2.
Variant type: single nucleotide variant.
Coding change: c.4497A>G on transcript NM_173648.4 (MANE Select); coding-DNA position 4497, A replaced by G.
Protein change: p.Thr1499=; no amino-acid change (threonine 1499 retained).
Molecular consequence: synonymous variant.
Genome position (GRCh38, 1-based): chr2:178,834,269, T>C on the plus strand (A>G on the coding strand, the complement: CCDC141 is on the minus strand). VCF-style: chr2-178834269-T-C. GRCh37 (hg19) VCF-style: chr2-179698996-T-C.
Identifiers: ClinVar variation 2020316 (VCV002020316.4), dbSNP rs2535076375, ClinGen allele CA430122312.

ClinVar aggregate classification (germline): Uncertain significance (1 of 4 stars; one submission).

Submission:

Labcorp Genetics (formerly Invitae), Labcorp
Classification: Uncertain significance. Last evaluated: 2024-04-22. Review status: criteria provided, single submitter. Criteria: Invitae Variant Classification Sherloc (09022015). Collection method: clinical testing. Allele origin: germline.
Comment: This sequence change affects codon 1499 of the CCDC141 mRNA. It is a 'silent' change, meaning that it does not change the encoded amino acid sequence of the CCDC141 protein. This variant is not present in population databases (gnomAD no frequency). This variant has not been reported in the literature in individuals affected with CCDC141-related conditions. ClinVar contains an entry for this variant (Variation ID: 2020316). Algorithms developed to predict the effect of sequence changes on RNA splicing suggest that this variant may create or strengthen a splice site. In summary, the available evidence is currently insufficient to determine the role of this variant in disease. Therefore, it has been classified as a Variant of Uncertain Significance.